The following is an entry in ClinVar:

ClinVar aggregate classification (germline): Uncertain significance (1 of 4 stars; one submission).

Conditions:
Xanthinuria type II. Also called: Xanthine dehydrogenase and aldehyde oxidase combined deficiency of; XDH and AOX dual deficiency. Identifiers: Orphanet 3467, Orphanet 93602, MedGen C1863688, MONDO:0011346, OMIM 603592.

Allele frequency attached by ClinVar (database versions not stated): gnomAD exomes below 0.00001 and 0.00001; gnomAD 0.00001 and 0.00002; TOPMed 0.00001; ExAC 0.00002; 1000 Genomes Project 0.00040; 1000 Genomes Project 30x 0.00047.
gnomAD v4.1: 7 of 1,613,630 alleles (0.00043%); highest among the groups gnomAD compares: Admixed American, 0.0083%; no homozygotes.

Submission:

Labcorp Genetics (formerly Invitae), Labcorp
Classification: Uncertain significance for Xanthinuria type II. Last evaluated: 2021-08-27. Review status: criteria provided, single submitter. Criteria: Invitae Variant Classification Sherloc (09022015). Collection method: clinical testing. Allele origin: germline.
Comment: This sequence change falls in intron 29 of the XDH gene. It does not directly change the encoded amino acid sequence of the XDH protein. It affects a nucleotide within the consensus splice site of the intron. This variant is present in population databases (rs200684126, ExAC 0.02%). This variant has not been reported in the literature in individuals affected with XDH-related conditions. Variants that disrupt the consensus splice site are a relatively common cause of aberrant splicing (PMID: 17576681, 9536098). Algorithms developed to predict the effect of sequence changes on RNA splicing suggest that this variant may disrupt the consensus splice site. In summary, the available evidence is currently insufficient to determine the role of this variant in disease. Therefore, it has been classified as a Variant of Uncertain Significance.

Literature cited by the submitters: PubMed 17576681; PubMed 9536098.

NM_000379.4(XDH):c.3276+6G>A

Gene: XDH (xanthine dehydrogenase; minus strand). Cytogenetic location: 2p23.1.
Variant type: single nucleotide variant.
Coding change: c.3276+6G>A on transcript NM_000379.4 (MANE Select); 6 bases into the intron after coding-DNA position 3276, G replaced by A.
Molecular consequence: intron variant.
Genome position (GRCh38, 1-based): chr2:31,347,516, C>T on the plus strand (G>A on the coding strand, the complement: XDH is on the minus strand). VCF-style: chr2-31347516-C-T. GRCh37 (hg19) VCF-style: chr2-31570382-C-T.
Identifiers: ClinVar variation 966823 (VCV000966823.6), dbSNP rs200684126, ClinGen allele CA1598477.